The following is an entry in ClinVar:

NM_138370.3(PKDCC):c.1324G>A (p.Glu442Lys)

Gene: PKDCC (protein kinase domain containing, cytoplasmic; plus strand). Cytogenetic location: 2p21.
Variant type: single nucleotide variant.
Coding change: c.1324G>A on transcript NM_138370.3 (MANE Select); coding-DNA position 1324, G replaced by A.
Protein change: p.Glu442Lys; replaces glutamic acid 442 with lysine.
Molecular consequence: missense variant.
Genome position (GRCh38, 1-based): chr2:42,057,322, G>A. VCF-style: chr2-42057322-G-A. GRCh37 (hg19) VCF-style: chr2-42284462-G-A.
Other names: short protein forms E442K.
Identifiers: ClinVar variation 4535259 (VCV004535259.6).

ClinVar aggregate classification (germline): Uncertain significance (1 of 4 stars; one submission).

Submission:

CeGaT Center for Human Genetics Tuebingen
Classification: Uncertain significance. Last evaluated: 2025-11-01. Review status: criteria provided, single submitter. Criteria: CeGaT Center For Human Genetics Tuebingen Variant Classification Criteria Version 2. Collection method: clinical testing. Allele origin: germline. Affected: yes. Observed: 1 variant allele.
Comment: PKDCC: PM2